The following is an entry in ClinVar:

ClinVar aggregate classification (germline): Uncertain significance. Review status: criteria provided, multiple submitters, no conflicts (2 of 4 stars). 2 submissions from 2 submitters: Uncertain significance (2). Last evaluated 2025-08-27.

Conditions:
Inborn genetic diseases. Identifiers: MedGen C0950123, MeSH D030342.

Allele frequency attached by ClinVar (database versions not stated): gnomAD exomes below 0.00001.
gnomAD v4.1: 5 of 1,613,496 alleles (0.00031%); highest among the groups gnomAD compares: South Asian, 0.0011%; no homozygotes.

Submissions (2):

Ambry Genetics
Classification: Uncertain significance for Inborn genetic diseases. Last evaluated: 2025-08-27. Review status: criteria provided, single submitter. Criteria: Ambry Variant Classification Scheme 2023. Collection method: clinical testing. Allele origin: germline.

Labcorp Genetics (formerly Invitae), Labcorp
Classification: Uncertain significance. Last evaluated: 2021-09-26. Review status: criteria provided, single submitter. Criteria: Invitae Variant Classification Sherloc (09022015). Collection method: clinical testing. Allele origin: germline.
Comment: This sequence change replaces proline with leucine at codon 458 of the LTBP4 protein (p.Pro458Leu). The proline residue is moderately conserved and there is a moderate physicochemical difference between proline and leucine. This variant is not present in population databases (ExAC no frequency). This variant has not been reported in the literature in individuals affected with LTBP4-related conditions. Experimental studies and prediction algorithms are not available or were not evaluated, and the functional significance of this variant is currently unknown. In summary, the available evidence is currently insufficient to determine the role of this variant in disease. Therefore, it has been classified as a Variant of Uncertain Significance.

NM_001042545.2(LTBP4):c.1283C>T (p.Pro428Leu)

Gene: LTBP4 (latent transforming growth factor beta binding protein 4; plus strand). Cytogenetic location: 19q13.2.
Variant type: single nucleotide variant.
Coding change: c.1283C>T on transcript NM_001042545.2 (MANE Select); coding-DNA position 1283, C replaced by T.
Protein change: p.Pro428Leu; replaces proline 428 with leucine.
Molecular consequence: missense variant.
Genome position (GRCh38, 1-based): chr19:40,608,346, C>T. VCF-style: chr19-40608346-C-T. GRCh37 (hg19) VCF-style: chr19-41114252-C-T.
Other names: c.1484C>T, p.Pro495Leu (NM_001042544.1); c.1373C>T, p.Pro458Leu (NM_003573.2); short protein forms P428L, P495L, P458L.
Identifiers: ClinVar variation 1420899 (VCV001420899.4), dbSNP rs2146024993, ClinGen allele CA405936177.